The following is an entry in ClinVar:

ClinVar aggregate classification (germline): Uncertain significance (1 of 4 stars; one submission).

Conditions:
SH2B1-related disorder. Also called: SH2B1-related condition.

gnomAD v4.1: 9 of 1,613,906 alleles (0.00056%); highest among the groups gnomAD compares: South Asian, 0.0022%; no homozygotes.

Submission:

PreventionGenetics, part of Exact Sciences
Classification: Uncertain significance for SH2B1-related condition. Last evaluated: 2025-06-23. Review status: criteria provided, single submitter. Criteria: ACMG Guidelines, 2015. Collection method: clinical testing. Allele origin: germline.
Comment: The SH2B1 c.391G>A variant is predicted to result in the amino acid substitution p.Gly131Ser. To our knowledge, this variant has not been reported in the literature. This variant is reported in 0.0046% of alleles in individuals of European (Finnish) descent in gnomAD. At this time, the clinical significance of this variant is uncertain due to the absence of conclusive functional and genetic evidence.

NM_001387430.1(SH2B1):c.391G>A (p.Gly131Ser)

Gene: SH2B1 (SH2B adaptor protein 1; plus strand). Cytogenetic location: 16p11.2.
Variant type: single nucleotide variant.
Coding change: c.391G>A on transcript NM_001387430.1 (MANE Select); coding-DNA position 391, G replaced by A.
Protein change: p.Gly131Ser; replaces glycine 131 with serine.
Molecular consequence: missense variant. On other transcripts: intron variant (1).
Genome position (GRCh38, 1-based): chr16:28,866,485, G>A. VCF-style: chr16-28866485-G-A. GRCh37 (hg19) VCF-style: chr16-28877806-G-A.
Other names: c.391G>A, p.Gly131Ser (NM_001145795.2, NM_001145796.2, NM_001145797.2 and 4 more transcripts); c.-26-889G>A (NM_001308294.2); short protein forms G131S.
Identifiers: ClinVar variation 4980160 (VCV004980160.1).